The following is an entry in ClinVar:

NM_198576.4(AGRN):c.4622G>A (p.Arg1541Gln)

Gene: AGRN (agrin; plus strand). Cytogenetic location: 1p36.33.
Variant type: single nucleotide variant.
Coding change: c.4622G>A on transcript NM_198576.4 (MANE Select); coding-DNA position 4622, G replaced by A.
Protein change: p.Arg1541Gln; replaces arginine 1541 with glutamine.
Molecular consequence: missense variant.
Genome position (GRCh38, 1-based): chr1:1,049,673, G>A. VCF-style: chr1-1049673-G-A. GRCh37 (hg19) VCF-style: chr1-985053-G-A.
Other names: c.4622G>A, p.Arg1541Gln (NM_001305275.2); c.4307G>A, p.Arg1436Gln (NM_001364727.2); short protein forms R1541Q, R1436Q.
Identifiers: ClinVar variation 474136 (VCV000474136.9), dbSNP rs760702396, ClinGen allele CA509554.

ClinVar aggregate classification (germline): Uncertain significance. Review status: criteria provided, multiple submitters, no conflicts (2 of 4 stars). 3 submissions from 3 submitters: Uncertain significance (3). Last evaluated 2025-01-28.

Conditions:
Inborn genetic diseases. Identifiers: MedGen C0950123, MeSH D030342.
Congenital myasthenic syndrome 8. Also called: MYASTHENIC SYNDROME, CONGENITAL, DUE TO AGRIN DEFICIENCY; Myasthenic syndrome, congenital, 8, with pre- and postsynaptic defects. Identifiers: Orphanet 590, MedGen C3808739, MONDO:0014052, OMIM 615120.

Allele frequency attached by ClinVar (database versions not stated): gnomAD 0.00002 and 0.00003; gnomAD exomes 0.00004; ExAC below 0.00001; TOPMed 0.00004.
gnomAD v4.1: 34 of 1,576,496 alleles (0.0022%); highest among the groups gnomAD compares: African/African-American, 0.0094%; no homozygotes.

Submissions (3):

Revvity Omics, Revvity
Classification: Uncertain significance for Congenital myasthenic syndrome 8. Last evaluated: 2025-01-28. Review status: criteria provided, single submitter. Criteria: ACMG Guidelines, 2015. Collection method: clinical testing. Allele origin: germline.

Ambry Genetics
Classification: Uncertain significance for Inborn genetic diseases. Last evaluated: 2024-12-04. Review status: criteria provided, single submitter. Criteria: Ambry Variant Classification Scheme 2023. Collection method: clinical testing. Allele origin: germline.

Labcorp Genetics (formerly Invitae), Labcorp
Classification: Uncertain significance for Congenital myasthenic syndrome 8. Last evaluated: 2024-02-24. Review status: criteria provided, single submitter. Criteria: Invitae Variant Classification Sherloc (09022015). Collection method: clinical testing. Allele origin: germline.
Comment: This sequence change replaces arginine, which is basic and polar, with glutamine, which is neutral and polar, at codon 1541 of the AGRN protein (p.Arg1541Gln). This variant is present in population databases (rs760702396, gnomAD 0.04%). This variant has not been reported in the literature in individuals affected with AGRN-related conditions. ClinVar contains an entry for this variant (Variation ID: 474136). Algorithms developed to predict the effect of missense changes on protein structure and function output the following: SIFT: "Not Available"; PolyPhen-2: "Benign"; Align-GVGD: "Not Available". The glutamine amino acid residue is found in multiple mammalian species, which suggests that this missense change does not adversely affect protein function. In summary, the available evidence is currently insufficient to determine the role of this variant in disease. Therefore, it has been classified as a Variant of Uncertain Significance.